The following is an entry in ClinVar:

NM_000179.3(MSH6):c.984C>G (p.Ser328Arg)

Gene: MSH6 (mutS homolog 6; plus strand). Cytogenetic location: 2p16.3.
Variant type: single nucleotide variant.
Coding change: c.984C>G on transcript NM_000179.3 (MANE Select); coding-DNA position 984, C replaced by G.
Protein change: p.Ser328Arg; replaces serine 328 with arginine.
Molecular consequence: missense variant.
Genome position (GRCh38, 1-based): chr2:47,798,967, C>G. VCF-style: chr2-47798967-C-G. GRCh37 (hg19) VCF-style: chr2-48026106-C-G.
Other names: c.594C>G, p.Ser198Arg (NM_001281492.2); c.78C>G, p.Ser26Arg (NM_001281493.2, NM_001281494.2); short protein forms S328R, S198R, S26R.
Identifiers: ClinVar variation 141606 (VCV000141606.35), dbSNP rs138143769, ClinGen allele CA016753.

ClinVar aggregate classification (germline): Conflicting classifications of pathogenicity. Review status: criteria provided, conflicting classifications (1 of 4 stars). 8 submissions from 8 submitters: Uncertain significance (7); Likely benign (1). Last evaluated 2026-02-04.

Conditions:
Hereditary nonpolyposis colorectal neoplasms. Identifiers: MedGen C0009405, MeSH D003123.
Hereditary cancer-predisposing syndrome. Also called: Neoplastic Syndromes, Hereditary; Tumor predisposition; Hereditary Cancer Syndrome; Hereditary neoplastic syndrome. Identifiers: Orphanet 140162, MedGen C0027672, MeSH D009386, MONDO:0015356.
Lynch syndrome. Identifiers: Orphanet 144, MedGen C4552100, MONDO:0005835. Disease mechanism: loss of function.
Endometrial carcinoma. Also called: Endometrial carcinoma, somatic. Identifiers: MedGen C0476089, MONDO:0002447, OMIM 608089, HP:0012114.

gnomAD v4.1: 1 of 1,614,212 alleles (0.000062%); highest among the groups gnomAD compares: Admixed American, 0.0017%; no homozygotes.

Submissions (8):

Labcorp Genetics (formerly Invitae), Labcorp
Classification: Likely benign for Hereditary nonpolyposis colorectal neoplasms. Last evaluated: 2026-02-04. Review status: criteria provided, single submitter. Criteria: Invitae Variant Classification Sherloc (09022015). Collection method: clinical testing. Allele origin: germline.

Quest Diagnostics Nichols Institute San Juan Capistrano
Classification: Uncertain significance. Last evaluated: 2025-11-03. Review status: criteria provided, single submitter. Criteria: Quest Diagnostics criteria. Collection method: clinical testing. Allele origin: unknown.
Comment: The MSH6 c.984C>G (p.Ser328Arg) variant has not been reported in individuals with MSH6-related conditions in the published literature. The frequency of this variant in the general population (Genome Aggregation Database) is uninformative in the assessment of its pathogenicity. Analysis of this variant using bioinformatics tools for the prediction of the effect of amino acid changes on protein structure and function yielded predictions that this variant is benign. Based on the available information, we are unable to determine the clinical significance of this variant.

Ambry Genetics
Classification: Uncertain significance for Hereditary cancer-predisposing syndrome. Last evaluated: 2025-06-27. Review status: criteria provided, single submitter. Criteria: Ambry Variant Classification Scheme 2023. Collection method: clinical testing. Allele origin: germline.
Comment: The p.S328R variant (also known as c.984C>G), located in coding exon 4 of the MSH6 gene, results from a C to G substitution at nucleotide position 984. The serine at codon 328 is replaced by arginine, an amino acid with dissimilar properties. This amino acid position is poorly conserved in available vertebrate species. In addition, this alteration is predicted to be tolerated by in silico analysis. Since supporting evidence is limited at this time, the clinical significance of this alteration remains unclear.

GeneDx
Classification: Uncertain significance. Last evaluated: 2024-12-10. Review status: criteria provided, single submitter. Criteria: GeneDx Variant Classification Process June 2021. Collection method: clinical testing. Allele origin: germline. Affected: yes.
Comment: Not observed at significant frequency in large population cohorts (gnomAD); In silico analysis indicates that this missense variant does not alter protein structure/function; Has not been previously published as pathogenic or benign to our knowledge; This variant is associated with the following publications: (PMID: 21437237)

All of Us Research Program, National Institutes of Health
Classification: Uncertain significance for Lynch syndrome. Last evaluated: 2024-02-22. Review status: criteria provided, single submitter. Criteria: ACMG Guidelines, 2015. Collection method: clinical testing. Allele origin: germline. Inheritance: Autosomal dominant inheritance. Observed: 2 variant alleles, 2 heterozygotes.
Comment: This missense variant replaces serine with arginine at codon 328 of the MSH6 protein. Computational prediction tool suggests that this variant may not impact protein structure and function (internally defined REVEL score threshold <= 0.5, PMID: 27666373). Splice site prediction tools suggest that this variant may not impact RNA splicing. To our knowledge, functional studies have not been performed for this variant. This variant has not been reported in individuals affected with hereditary cancer in the literature. This variant has been identified in 1/251378 chromosomes in the general population by the Genome Aggregation Database (gnomAD). The available evidence is insufficient to determine the role of this variant in disease conclusively. Therefore, this variant is classified as a Variant of Uncertain Significance.

This study involves interpretation of variants in research participants for the purpose of population health screening. Participant phenotype was not available at the time of variant classification. Additional details can be found in publication PMID: 35346344, PMCID: PMC8962531

Color Diagnostics, LLC DBA Color Health
Classification: Uncertain significance for Hereditary cancer-predisposing syndrome. Last evaluated: 2024-01-30. Review status: criteria provided, single submitter. Criteria: ACMG Guidelines, 2015. Collection method: clinical testing. Allele origin: germline.
Comment: This missense variant replaces serine with arginine at codon 328 of the MSH6 protein. Computational prediction suggests that this variant may not impact protein structure and function (internally defined REVEL score threshold <= 0.5, PMID: 27666373). To our knowledge, functional studies have not been reported for this variant. This variant has not been reported in individuals affected with MSH6-related disorders in the literature. This variant has been identified in 1/251378 chromosomes in the general population by the Genome Aggregation Database (gnomAD). The available evidence is insufficient to determine the role of this variant in disease conclusively. Therefore, this variant is classified as a Variant of Uncertain Significance.

Baylor Genetics
Classification: Uncertain significance for Endometrial carcinoma. Last evaluated: 2024-01-26. Review status: criteria provided, single submitter. Criteria: ACMG Guidelines, 2015. Collection method: clinical testing. Allele origin: unknown.

PreventionGenetics, part of Exact Sciences
Classification: Uncertain significance. Last evaluated: 2017-10-05. Review status: criteria provided, single submitter. Criteria: ACMG Guidelines, 2015. Collection method: clinical testing. Allele origin: germline.